The following is an entry in ClinVar:

ClinVar aggregate classification (germline): Uncertain significance. Review status: criteria provided, multiple submitters, no conflicts (2 of 4 stars). 2 submissions from 2 submitters: Uncertain significance (2). Last evaluated 2026-05-21.

Conditions:
Inborn genetic diseases. Identifiers: MedGen C0950123, MeSH D030342.
Primary familial polycythemia due to EPO receptor mutation. Also called: POLYCYTHEMIA, PRIMARY FAMILIAL AND CONGENITAL; Erythrocytosis, familial, 1; ERYTHROCYTOSIS, SOMATIC; Primary Familial Congenital Polycythemia. Identifiers: Orphanet 90042, MedGen C4551637, MONDO:0007572, OMIM 133100.

Allele frequency attached by ClinVar (database versions not stated): gnomAD exomes below 0.00001.
gnomAD v4.1: 4 of 1,475,916 alleles (0.00027%); highest among the groups gnomAD compares: Middle Eastern, 0.022%; no homozygotes.

Submissions (2):

Ambry Genetics
Classification: Uncertain significance for Inborn genetic diseases. Last evaluated: 2026-05-21. Review status: criteria provided, single submitter. Criteria: Ambry Variant Classification Scheme 2023. Collection method: clinical testing. Allele origin: germline.
Comment: The p.A161V variant (also known as c.482C>T), located in coding exon 1 of the SH2B3 gene, results from a C to T substitution at nucleotide position 482. The alanine at codon 161 is replaced by valine, an amino acid with similar properties. This amino acid position is conserved. In addition, this alteration is predicted to be tolerated by in silico analysis. Based on the available evidence, the clinical significance of this variant remains unclear.

Neuberg Centre For Genomic Medicine, NCGM
Classification: Uncertain significance for Primary familial polycythemia due to EPO receptor mutation. Review status: criteria provided, single submitter. Criteria: ACMG Guidelines, 2015. Collection method: clinical testing. Allele origin: germline. Inheritance: Autosomal dominant inheritance. Affected: yes.
Comment: The missense variant c.482C>T (p.Ala161Val) in SH2B3 gene has not been reported previously as a pathogenic variant nor as a benign variant, to our knowledge. The p.Ala161Val variant has allele frequency of 0.001% in the gnomad and novel in 1000 genome database. This variant has not been reported to the ClinVar database. The amino acid Ala at position 161 is changed to a Val changing protein sequence and it might alter its composition and physico-chemical properties. The amino acid change p.Ala161Val in SH2B3 is predicted as conserved by GERP++ and PhyloP across 100 vertebrates. For these reasons, this variant has been classified as Uncertain Significance (VUS).

NM_005475.3(SH2B3):c.482C>T (p.Ala161Val)

Gene: SH2B3 (SH2B adaptor protein 3; plus strand). Cytogenetic location: 12q24.12.
Variant type: single nucleotide variant.
Coding change: c.482C>T on transcript NM_005475.3 (MANE Select); coding-DNA position 482, C replaced by T.
Protein change: p.Ala161Val; replaces alanine 161 with valine.
Molecular consequence: missense variant.
Genome position (GRCh38, 1-based): chr12:111,418,627, C>T. VCF-style: chr12-111418627-C-T. GRCh37 (hg19) VCF-style: chr12-111856431-C-T.
Other names: short protein forms A161V.
Identifiers: ClinVar variation 2584840 (VCV002584840.3), dbSNP rs1187991360, ClinGen allele CA386719747.